The following is an entry in ClinVar:

NM_000540.3(RYR1):c.7836-3C>T

Gene: RYR1 (ryanodine receptor 1; plus strand). Cytogenetic location: 19q13.2.
Variant type: single nucleotide variant.
Coding change: c.7836-3C>T on transcript NM_000540.3 (MANE Select); 3 bases into the intron before coding-DNA position 7836, C replaced by T.
Molecular consequence: intron variant.
Genome position (GRCh38, 1-based): chr19:38,502,877, C>T. VCF-style: chr19-38502877-C-T. GRCh37 (hg19) VCF-style: chr19-38993517-C-T.
Other names: c.7836-3C>T (NM_001042723.2).
Identifiers: ClinVar variation 892075 (VCV000892075.7), dbSNP rs1345584460, ClinGen allele CA082854.

ClinVar aggregate classification (germline): Uncertain significance. Review status: criteria provided, multiple submitters, no conflicts (2 of 4 stars). 6 submissions from 4 submitters: Uncertain significance (6). Last evaluated 2025-11-19.

Conditions:
RYR1-related disorder. Also called: RYR1-related condition; RYR1-related disorders. Identifiers: MedGen CN239331.
Congenital multicore myopathy with external ophthalmoplegia (CMYO1B). Also called: MULTICORE MYOPATHY; Minicore myopathy with external ophthalmoplegia; Congenital myopathy 1B, autosomal recessive; Minicore myopathy; MULTIMINICORE DISEASE WITH EXTERNAL OPHTHALMOPLEGIA. Identifiers: Orphanet 598, Orphanet 98905, MedGen C1850674, MONDO:0009712, OMIM 255320, HP:0003789.
Malignant hyperthermia, susceptibility to, 1 (MHS1). Also called: Anesthesia related hyperthermia; Malignant hyperpyrexia; Fulminating hyperpyrexia; Pharmacogenic myopathy; RYR1-Related Malignant Hyperthermia Susceptibility; Malignant hyperthermia suceptibility 1. Identifiers: Orphanet 423, MedGen C2930980, MONDO:0007783, OMIM 145600.
Central core myopathy (CMYO1A). Also called: CONGENITAL MYOPATHY 1A, AUTOSOMAL DOMINANT, WITH SUSCEPTIBILITY TO MALIGNANT HYPERTHERMIA; Central core disease; Myopathy, central fibrillar. Identifiers: Orphanet 597, MedGen C5830701, MONDO:0007294, OMIM 117000.

Allele frequency attached by ClinVar (database versions not stated): gnomAD exomes below 0.00001; TOPMed below 0.00001.
gnomAD v4.1: 27 of 1,610,338 alleles (0.0017%); highest among the groups gnomAD compares: South Asian, 0.0044%; no homozygotes.

Submissions (6):

Labcorp Genetics (formerly Invitae), Labcorp
Classification: Uncertain significance for RYR1-related disorder. Last evaluated: 2025-11-19. Review status: criteria provided, single submitter. Criteria: Invitae Variant Classification Sherloc (09022015). Collection method: clinical testing. Allele origin: germline.
Comment: This sequence change falls in intron 48 of the RYR1 gene. It does not directly change the encoded amino acid sequence of the RYR1 protein. It affects a nucleotide within the consensus splice site. The frequency data for this variant in the population databases is considered unreliable, as metrics indicate poor data quality at this position in the gnomAD database. This variant has not been reported in the literature in individuals affected with RYR1-related conditions. ClinVar contains an entry for this variant (Variation ID: 892075). Variants that disrupt the consensus splice site are a relatively common cause of aberrant splicing (PMID: 17576681, 9536098). Algorithms developed to predict the effect of sequence changes on RNA splicing suggest that this variant is not likely to affect RNA splicing. In summary, the available evidence is currently insufficient to determine the role of this variant in disease. Therefore, it has been classified as a Variant of Uncertain Significance.

Color Diagnostics, LLC DBA Color Health
Classification: Uncertain significance for Malignant hyperthermia, susceptibility to, 1. Last evaluated: 2025-06-18. Review status: criteria provided, single submitter. Criteria: ACMG Guidelines, 2015. Collection method: clinical testing. Allele origin: germline.
Comment: This variant causes a C to T nucleotide substitution at the -3 position of intron 48 of the RYR1 gene. To our knowledge, RNA studies have not been reported for this variant. This variant has not been reported in individuals affected with RYR1-related disorders in the literature. This variant has been identified in 1/248710 chromosomes in the general population by the Genome Aggregation Database (gnomAD). The available evidence is insufficient to determine the role of this variant in disease conclusively. Therefore, this variant is classified as a Variant of Uncertain Significance.

All of Us Research Program, National Institutes of Health
Classification: Uncertain significance for Malignant hyperthermia, susceptibility to, 1. Last evaluated: 2023-06-08. Review status: criteria provided, single submitter. Criteria: ACMG Guidelines, 2015. Collection method: clinical testing. Allele origin: germline. Inheritance: Autosomal dominant inheritance. Observed: 1 variant allele, 1 heterozygote.
Comment: This variant causes a C to T nucleotide substitution at the -3 position of intron 48 of the RYR1 gene. To our knowledge, functional studies have not been reported for this variant. This variant has not been reported in individuals affected with RYR1-related disorders in the literature. This variant has been identified in 1/248710 chromosomes in the general population by the Genome Aggregation Database (gnomAD). The available evidence is insufficient to determine the role of this variant in disease conclusively. Therefore, this variant is classified as a Variant of Uncertain Significance.

This study involves interpretation of variants in research participants for the purpose of population health screening. Participant phenotype was not available at the time of variant classification. Additional details can be found in publication PMID: 35346344, PMCID: PMC8962531

Illumina Laboratory Services, Illumina
Classification: Uncertain significance for Congenital multicore myopathy with external ophthalmoplegia. Last evaluated: 2018-01-13. Review status: criteria provided, single submitter. Criteria: ICSL Variant Classification Criteria 13 December 2019. Collection method: clinical testing. Allele origin: germline.

Illumina Laboratory Services, Illumina
Classification: Uncertain significance for Central core myopathy. Last evaluated: 2018-01-13. Review status: criteria provided, single submitter. Criteria: ICSL Variant Classification Criteria 13 December 2019. Collection method: clinical testing. Allele origin: germline.

Illumina Laboratory Services, Illumina
Classification: Uncertain significance for Malignant hyperthermia, susceptibility to, 1. Last evaluated: 2018-01-13. Review status: criteria provided, single submitter. Criteria: ICSL Variant Classification Criteria 13 December 2019. Collection method: clinical testing. Allele origin: germline.

Literature cited by the submitters: PubMed 17576681 (cited by Labcorp Genetics (formerly Invitae), Labcorp); PubMed 9536098 (cited by Labcorp Genetics (formerly Invitae), Labcorp).